The following is an entry in ClinVar:

ClinVar aggregate classification (germline): Uncertain significance. Review status: criteria provided, multiple submitters, no conflicts (2 of 4 stars). 2 submissions from 2 submitters: Uncertain significance (2). Last evaluated 2025-06-11.

Conditions:
Intellectual developmental disorder, X-linked 99. Also called: Intellectual disability, X-linked 99. Identifiers: Orphanet 777, MedGen C3806746, MONDO:0010487, OMIM 300919.

Allele frequency attached by ClinVar (database versions not stated): gnomAD exomes below 0.00001.
gnomAD v4.1: 1 of 1,204,083 alleles (0.000083%); highest among the groups gnomAD compares: Non-Finnish European, 0.00011%; no homozygotes.

Submissions (2):

GeneDx
Classification: Uncertain significance. Last evaluated: 2025-06-11. Review status: criteria provided, single submitter. Criteria: GeneDx Variant Classification Process June 2021. Collection method: clinical testing. Allele origin: germline. Affected: yes.
Comment: Not observed at significant frequency in large population cohorts (gnomAD); In silico analysis suggests that this missense variant does not alter protein structure/function; Has not been previously published as pathogenic or benign to our knowledge

Centre for Mendelian Genomics, University Medical Centre Ljubljana
Classification: Uncertain significance for Intellectual developmental disorder, X-linked 99. Last evaluated: 2019-05-24. Review status: criteria provided, single submitter. Criteria: ACMG Guidelines, 2015. Collection method: clinical testing. Allele origin: unknown. Affected: yes.
Comment: This variant was classified as: Uncertain significance. The available evidence on this variant's pathogenicity is insufficient or conflicting. The following ACMG criteria were applied in classifying this variant: PM2.

NM_001039591.3(USP9X):c.1282T>G (p.Leu428Val)

Gene: USP9X (ubiquitin specific peptidase 9 X-linked; plus strand). Cytogenetic location: Xp11.4.
Variant type: single nucleotide variant.
Coding change: c.1282T>G on transcript NM_001039591.3 (MANE Select); coding-DNA position 1282, T replaced by G.
Protein change: p.Leu428Val; replaces leucine 428 with valine.
Molecular consequence: missense variant.
Genome position (GRCh38, 1-based): chrX:41,143,411, T>G. VCF-style: chrX-41143411-T-G. GRCh37 (hg19) VCF-style: chrX-41002664-T-G.
Other names: c.1282T>G, p.Leu428Val (NM_001039590.3); short protein forms L428V.
Identifiers: ClinVar variation 931438 (VCV000931438.4), dbSNP rs2062438835, ClinGen allele CA412769898.